The following is an entry in ClinVar:

ClinVar aggregate classification (germline): Conflicting classifications of pathogenicity. Review status: criteria provided, conflicting classifications (1 of 4 stars). 4 submissions from 4 submitters: Uncertain significance (3); Likely benign (1). Last evaluated 2025-07-23.

Conditions:
Hereditary breast ovarian cancer syndrome. Also called: Hereditary breast and ovarian cancer syndrome; Hereditary breast and ovarian cancer; Hereditary breast and ovarian cancer syndrome (HBOC); Breast and ovarian cancer; Hereditary breast and/or ovarian cancer syndrome; BRCA1- and BRCA2-Associated Hereditary Breast and Ovarian Cancer. Identifiers: Orphanet 145, MedGen C0677776, MeSH D061325, MONDO:0003582. Disease mechanism: loss of function.
Hereditary cancer-predisposing syndrome. Also called: Neoplastic Syndromes, Hereditary; Tumor predisposition; Hereditary neoplastic syndrome; Hereditary Cancer Syndrome. Identifiers: Orphanet 140162, MedGen C0027672, MeSH D009386, MONDO:0015356.

Allele frequency attached by ClinVar (database versions not stated): gnomAD exomes below 0.00001; ExAC 0.00001.
gnomAD v4.1: 3 of 1,613,850 alleles (0.00019%); highest among the groups gnomAD compares: Non-Finnish European, 0.00017%; no homozygotes.

Submissions (4):

Labcorp Genetics (formerly Invitae), Labcorp
Classification: Uncertain significance for Hereditary breast ovarian cancer syndrome. Last evaluated: 2025-07-23. Review status: criteria provided, single submitter. Criteria: Invitae Variant Classification Sherloc (09022015). Collection method: clinical testing. Allele origin: germline.
Comment: This sequence change replaces glycine, which is neutral and non-polar, with aspartic acid, which is acidic and polar, at codon 1073 of the BRCA1 protein (p.Gly1073Asp). This variant is present in population databases (rs757632961, gnomAD 0.005%). This variant has not been reported in the literature in individuals affected with BRCA1-related conditions. ClinVar contains an entry for this variant (Variation ID: 630123). Invitae Evidence Modeling of protein sequence and biophysical properties (such as structural, functional, and spatial information, amino acid conservation, physicochemical variation, residue mobility, and thermodynamic stability) indicates that this missense variant is not expected to disrupt BRCA1 protein function with a negative predictive value of 80%. In summary, the available evidence is currently insufficient to determine the role of this variant in disease. Therefore, it has been classified as a Variant of Uncertain Significance.

University of Washington Department of Laboratory Medicine, University of Washington
Classification: Likely benign for Hereditary cancer-predisposing syndrome. Last evaluated: 2023-03-23. Review status: criteria provided, single submitter. Criteria: Dines et al. (Genet Med. 2020). Collection method: curation. Allele origin: germline.
Comment: Missense variant in a coldspot region where missense variants are very unlikely to be pathogenic (PMID:31911673).

BRCA1 coldspot (exon 11 using historical exon numbering). Reclassification based on statistical prior probability

Ambry Genetics
Classification: Uncertain significance for Hereditary cancer-predisposing syndrome. Last evaluated: 2022-12-12. Review status: criteria provided, single submitter. Criteria: Ambry Variant Classification Scheme 2023. Collection method: clinical testing. Allele origin: germline.
Comment: The p.G1073D variant (also known as c.3218G>A), located in coding exon 9 of the BRCA1 gene, results from a G to A substitution at nucleotide position 3218. The glycine at codon 1073 is replaced by aspartic acid, an amino acid with similar properties. This amino acid position is conserved. In addition, this alteration is predicted to be tolerated by in silico analysis. Since supporting evidence is limited at this time, the clinical significance of this alteration remains unclear.

Color Diagnostics, LLC DBA Color Health
Classification: Uncertain significance for Hereditary cancer-predisposing syndrome. Last evaluated: 2019-04-05. Review status: criteria provided, single submitter. Criteria: ACMG Guidelines, 2015. Collection method: clinical testing. Allele origin: germline.

NM_007294.4(BRCA1):c.3218G>A (p.Gly1073Asp)

Genes: BRCA1 (BRCA1 DNA repair associated; minus strand), LOC126862571 (BRD4-independent group 4 enhancer GRCh37_chr17:41243136-41244335; plus strand). Cytogenetic location: 17q21.31.
Variant type: single nucleotide variant.
Coding change: c.3218G>A on transcript NM_007294.4 (MANE Select); coding-DNA position 3218, G replaced by A.
Protein change: p.Gly1073Asp; replaces glycine 1073 with aspartic acid.
Molecular consequence: missense variant. On other transcripts: intron variant (137).
Genome position (GRCh38, 1-based): chr17:43,092,313, C>T on the plus strand (G>A on the coding strand, the complement: BRCA1 is on the minus strand). VCF-style: chr17-43092313-C-T. GRCh37 (hg19) VCF-style: chr17-41244330-C-T.
Other names: c.3005G>A, p.Gly1002Asp (NM_001407571.1, NM_001407853.1, NM_001407894.1 and 9 more transcripts); c.3218G>A, p.Gly1073Asp (NM_001407581.1, NM_001407582.1, NM_001407583.1 and 30 more transcripts); c.3215G>A, p.Gly1072Asp (NM_001407587.1, NM_001407590.1, NM_001407591.1 and 22 more transcripts); c.3209G>A, p.Gly1070Asp (NM_001407646.1, NM_001407647.1); c.3095G>A, p.Gly1032Asp (NM_001407648.1, NM_001407664.1, NM_001407665.1 and 19 more transcripts); c.3092G>A, p.Gly1031Asp (NM_001407649.1, NM_001407670.1, NM_001407671.1 and 11 more transcripts); c.3140G>A, p.Gly1047Asp (NM_001407653.1, NM_001407654.1, NM_001407655.1 and 4 more transcripts); c.3137G>A, p.Gly1046Asp (NM_001407659.1, NM_001407660.1, NM_001407661.1 and 1 more transcripts); and 41 more; short protein forms G1073D, G1026D, G1002D, G1003D, G1025D, G1046D, G905D, G961D.
Identifiers: ClinVar variation 630123 (VCV000630123.16), dbSNP rs757632961, ClinGen allele CA058061.
Genomic context (GRCh38, chr17:43,092,313, plus strand): 5'-ACCTCAGGTTGCAAAACCCCTAATCTAAGCATAGCATTCAATTTTGGCCCTCTGTTTCTA[C>T]CTAGTTCTGCTTGAATGTTTTCATCACTGGAACCTATTTCATTAATACTGGAGCCCACTT-3'
Protein context (NP_009225.1, residues 1063-1083): SSDENIQAEL[Gly1073Asp]RNRGPKLNAM